The following is an entry in ClinVar:

ClinVar aggregate classification (germline): Uncertain significance. Review status: criteria provided, multiple submitters, no conflicts (2 of 4 stars). 2 submissions from 2 submitters: Uncertain significance (2). Last evaluated 2024-10-28.

Submissions (2):

Dasa
Classification: Uncertain significance. Last evaluated: 2024-10-28. Review status: criteria provided, single submitter. Criteria: DASA Assertion Criteria. Collection method: clinical testing. Allele origin: germline.
Comment: NM_006536.7(CLCA2):c.505C>T (p.Leu169Phe) is a missense variant that results in the substitution of leucine with phenylalanine. This variant is rare in population databases. Computational prediction algorithms are consistent with a benign effect. The currently available literature and clinical evidence are not sufficient to establish a definitive association between this variant and the reported condition. Therefore, this variant is classified as a variant of uncertain significance.

Ambry Genetics
Classification: Uncertain significance. Last evaluated: 2021-11-05. Review status: criteria provided, single submitter. Criteria: Ambry Variant Classification Scheme 2023. Collection method: clinical testing. Allele origin: germline.

NM_006536.7(CLCA2):c.505C>T (p.Leu169Phe)

Gene: CLCA2 (chloride channel accessory 2; plus strand). Cytogenetic location: 1p22.3.
Variant type: single nucleotide variant.
Coding change: c.505C>T on transcript NM_006536.7 (MANE Select); coding-DNA position 505, C replaced by T.
Protein change: p.Leu169Phe; replaces leucine 169 with phenylalanine.
Molecular consequence: missense variant.
Genome position (GRCh38, 1-based): chr1:86,430,891, C>T. VCF-style: chr1-86430891-C-T. GRCh37 (hg19) VCF-style: chr1-86896574-C-T.
Other names: short protein forms L169F.
Identifiers: ClinVar variation 2258993 (VCV002258993.4), dbSNP rs1468138529, ClinGen allele CA340977073.